The following is an entry in ClinVar:

NM_001100913.3(PACS2):c.729G>A (p.Thr243=)

Gene: PACS2 (phosphofurin acidic cluster sorting protein 2; plus strand). Cytogenetic location: 14q32.33.
Variant type: single nucleotide variant.
Coding change: c.729G>A on transcript NM_001100913.3 (MANE Select); coding-DNA position 729, G replaced by A.
Protein change: p.Thr243=; no amino-acid change (threonine 243 retained).
Molecular consequence: synonymous variant. On other transcripts: intron variant (1).
Genome position (GRCh38, 1-based): chr14:105,368,527, G>A. VCF-style: chr14-105368527-G-A. GRCh37 (hg19) VCF-style: chr14-105834864-G-A.
Other names: c.729G>A, p.Thr243= (NM_015197.4); c.516+12G>A (NM_001243127.3); c.729G>A (NM_001100913.2).
Identifiers: ClinVar variation 1639543 (VCV001639543.34), dbSNP rs144926027, ClinGen allele CA7388521.

ClinVar aggregate classification (germline): Likely benign. Review status: criteria provided, multiple submitters, no conflicts (2 of 4 stars). 5 submissions from 5 submitters: Likely benign (4). 1 of the submissions does not count toward it. Last evaluated 2026-06-01.

Conditions:
PACS2-related disorder. Also called: PACS2-related condition.

Allele frequency attached by ClinVar (database versions not stated): ESP Exome Variant Server 0.00008; 1000 Genomes Project 30x 0.00016; 1000 Genomes Project 0.00020; gnomAD 0.00020 and 0.00021; TOPMed 0.00025.
gnomAD v4.1: 311 of 1,613,522 alleles (0.019%); highest among the groups gnomAD compares: Middle Eastern, 0.36%; 2 homozygotes.

Submissions (5):

CeGaT Center for Human Genetics Tuebingen
Classification: Likely benign. Last evaluated: 2026-06-01. Review status: criteria provided, single submitter. Criteria: CeGaT Center For Human Genetics Tuebingen Variant Classification Criteria Version 2. Collection method: clinical testing. Allele origin: germline. Affected: yes. Observed: 8 variant alleles.
Comment: PACS2: BP4, BP7

Labcorp Genetics (formerly Invitae), Labcorp
Classification: Likely benign. Last evaluated: 2025-11-10. Review status: criteria provided, single submitter. Criteria: Invitae Variant Classification Sherloc (09022015). Collection method: clinical testing. Allele origin: germline.

Blueprint Genetics
Classification: Likely benign. Last evaluated: 2024-11-21. Review status: criteria provided, single submitter. Criteria: ACMG Guidelines, 2015. Collection method: clinical testing. Allele origin: germline.

Breakthrough Genomics
Classification: Likely benign. Review status: criteria provided, single submitter. Criteria: ACMG Guidelines, 2015. Collection method: not provided. Allele origin: germline. Inheritance: Autosomal dominant inheritance. Affected: yes.

PreventionGenetics, part of Exact Sciences
Classification: Likely benign for PACS2-related condition. Last evaluated: 2019-10-24. Review status: no assertion criteria provided. Collection method: clinical testing. Allele origin: germline. Not counted in ClinVar's aggregate classification.
Comment: This variant is classified as likely benign based on ACMG/AMP sequence variant interpretation guidelines (Richards et al. 2015 PMID: 25741868, with internal and published modifications).